The following is an entry in ClinVar:

ClinVar aggregate classification (germline): Uncertain significance. Review status: criteria provided, multiple submitters, no conflicts (2 of 4 stars). 2 submissions from 2 submitters: Uncertain significance (2). Last evaluated 2024-01-23.

Conditions:
Inborn genetic diseases. Identifiers: MedGen C0950123, MeSH D030342.
Meckel-Gruber syndrome. Also called: DYSENCEPHALIA SPLANCHNOCYSTICA; GRUBER SYNDROME; Dysencephalia splachnocystica. Identifiers: Orphanet 564, MedGen C0265215, MONDO:0018921.
Nephronophthisis. Also called: Juvenile Nephronophthisis. Identifiers: Orphanet 655, MedGen C0687120, MONDO:0019005, HP:0000090.
Joubert syndrome. Also called: CEREBELLOPARENCHYMAL DISORDER IV; JOUBERT-BOLTSHAUSER SYNDROME; Familial aplasia of the vermis. Identifiers: Orphanet 475, MedGen C5979921, MONDO:0018772.

Allele frequency attached by ClinVar (database versions not stated): gnomAD exomes below 0.00001 and 0.00001.
gnomAD v4.1: 2 of 1,507,086 alleles (0.00013%); highest among the groups gnomAD compares: Non-Finnish European, 0.00018%; no homozygotes.

Submissions (2):

Ambry Genetics
Classification: Uncertain significance for Inborn genetic diseases. Last evaluated: 2024-01-23. Review status: criteria provided, single submitter. Criteria: Ambry Variant Classification Scheme 2023. Collection method: clinical testing. Allele origin: germline.

Labcorp Genetics (formerly Invitae), Labcorp
Classification: Uncertain significance for Joubert syndrome; Meckel-Gruber syndrome; Nephronophthisis. Last evaluated: 2022-02-04. Review status: criteria provided, single submitter. Criteria: Invitae Variant Classification Sherloc (09022015). Collection method: clinical testing. Allele origin: germline.
Comment: This sequence change replaces aspartic acid, which is acidic and polar, with tyrosine, which is neutral and polar, at codon 1817 of the CEP290 protein (p.Asp1817Tyr). This variant is present in population databases (no rsID available, gnomAD 0.001%). This variant has not been reported in the literature in individuals affected with CEP290-related conditions. ClinVar contains an entry for this variant (Variation ID: 858755). Algorithms developed to predict the effect of missense changes on protein structure and function are either unavailable or do not agree on the potential impact of this missense change (SIFT: "Deleterious"; PolyPhen-2: "Possibly Damaging"; Align-GVGD: "Class C15"). In summary, the available evidence is currently insufficient to determine the role of this variant in disease. Therefore, it has been classified as a Variant of Uncertain Significance.

NM_025114.4(CEP290):c.5449G>T (p.Asp1817Tyr)

Gene: CEP290 (centrosomal protein 290; minus strand). Cytogenetic location: 12q21.32.
Variant type: single nucleotide variant.
Coding change: c.5449G>T on transcript NM_025114.4 (MANE Select); coding-DNA position 5449, G replaced by T.
Protein change: p.Asp1817Tyr; replaces aspartic acid 1817 with tyrosine.
Molecular consequence: missense variant.
Genome position (GRCh38, 1-based): chr12:88,077,834, C>A on the plus strand (G>T on the coding strand, the complement: CEP290 is on the minus strand). VCF-style: chr12-88077834-C-A. GRCh37 (hg19) VCF-style: chr12-88471611-C-A.
Other names: short protein forms D1817Y.
Identifiers: ClinVar variation 858755 (VCV000858755.5), dbSNP rs1565822715, ClinGen allele CA385988719.